The following is an entry in ClinVar:

ClinVar aggregate classification (germline): Likely benign. Review status: criteria provided, multiple submitters, no conflicts (2 of 4 stars). 3 submissions from 3 submitters: Likely benign (3). Last evaluated 2026-05-18.

Conditions:
ABCA4-related disorder. Also called: ABCA4-related condition; ABCA4-related disorders. Identifiers: MedGen CN239167.

Allele frequency attached by ClinVar (database versions not stated): gnomAD exomes 0.00002 and 0.00003; ExAC 0.00003; gnomAD 0.00007; TOPMed 0.00010; 1000 Genomes Project 0.00020; 1000 Genomes Project 30x 0.00031.
gnomAD v4.1: 61 of 1,613,956 alleles (0.0038%); highest among the groups gnomAD compares: African/African-American, 0.023%; no homozygotes.

Submissions (3):

PreventionGenetics, part of Exact Sciences
Classification: Likely benign for ABCA4-related condition. Last evaluated: 2026-05-18. Review status: criteria provided, single submitter. Criteria: ACMG Guidelines, 2015. Collection method: clinical testing. Allele origin: germline.
Comment: This variant is classified as likely benign based on ACMG/AMP sequence variant interpretation guidelines (Richards et al. 2015 PMID: 25741868, with internal and published modifications).

Labcorp Genetics (formerly Invitae), Labcorp
Classification: Likely benign. Last evaluated: 2025-11-08. Review status: criteria provided, single submitter. Criteria: Invitae Variant Classification Sherloc (09022015). Collection method: clinical testing. Allele origin: germline.

Blueprint Genetics
Classification: Likely benign. Last evaluated: 2024-07-15. Review status: criteria provided, single submitter. Criteria: ACMG Guidelines, 2015. Collection method: clinical testing. Allele origin: germline.

NM_000350.3(ABCA4):c.5991C>T (p.Thr1997=)

Gene: ABCA4 (ATP binding cassette subfamily A member 4; minus strand). Cytogenetic location: 1p22.1.
Variant type: single nucleotide variant.
Coding change: c.5991C>T on transcript NM_000350.3 (MANE Select); coding-DNA position 5991, C replaced by T.
Protein change: p.Thr1997=; no amino-acid change (threonine 1997 retained).
Molecular consequence: synonymous variant.
Genome position (GRCh38, 1-based): chr1:94,007,648, G>A on the plus strand (C>T on the coding strand, the complement: ABCA4 is on the minus strand). VCF-style: chr1-94007648-G-A. GRCh37 (hg19) VCF-style: chr1-94473204-G-A.
Other names: c.5769C>T, p.Thr1923= (NM_001425324.1); c.5991C>T (NM_000350.2).
Identifiers: ClinVar variation 1590940 (VCV001590940.10), dbSNP rs201278133, ClinGen allele CA957055.